The following is an entry in ClinVar:

NM_001077418.3(TMEM231):c.140-8dup

Genes: TMEM231 (transmembrane protein 231; minus strand), LOC130059440 (ATAC-STARR-seq lymphoblastoid silent region 7724; plus strand). Cytogenetic location: 16q23.1.
Variant type: Duplication.
Coding change: c.140-8dup on transcript NM_001077418.3 (MANE Select); 8 bases into the intron before coding-DNA position 140, one base duplicated (T; older notation c.140-8dupT).
Molecular consequence: intron variant. On other transcripts: nonsense (1).
Genome position (GRCh38, 1-based): chr16:75,555,981, A duplicated on the plus strand (T on the coding strand, the reverse complement: TMEM231 is on the minus strand); the first of 3 consecutive A bases (chr16:75,555,981-75,555,983); duplicating any one gives the same sequence. VCF-style (leftmost placement, unchanged base first): chr16-75555980-T-TA. GRCh37 (hg19) VCF-style: chr16-75589878-T-TA.
Other names: c.291dup, p.Asn98Ter (NM_001077416.2); short protein forms N98*.
Identifiers: ClinVar variation 2947948 (VCV002947948.3), dbSNP rs751903254, ClinGen allele CA2740093422.

ClinVar aggregate classification (germline): Pathogenic (1 of 4 stars; one submission).

Conditions:
Joubert syndrome 20 (JBTS20). Identifiers: Orphanet 475, MedGen C3554235, MONDO:0013994, OMIM 614970.
Meckel syndrome, type 11 (MKS11). Identifiers: Orphanet 564, MedGen C3809352, MONDO:0014164, OMIM 615397.

Submission:

Labcorp Genetics (formerly Invitae), Labcorp
Classification: Pathogenic for Joubert syndrome 20; Meckel syndrome, type 11. Last evaluated: 2023-05-19. Review status: criteria provided, single submitter. Criteria: Invitae Variant Classification Sherloc (09022015). Collection method: clinical testing. Allele origin: germline.
Comment: For these reasons, this variant has been classified as Pathogenic. This variant has not been reported in the literature in individuals affected with TMEM231-related conditions. This variant is not present in population databases (gnomAD no frequency). This sequence change creates a premature translational stop signal (p.Asn98*) in the TMEM231 gene. It is expected to result in an absent or disrupted protein product. Loss-of-function variants in TMEM231 are known to be pathogenic (PMID: 23012439, 23349226).

Literature cited by the submitters: PubMed 23012439; PubMed 23349226.